The following is an entry in ClinVar:

ClinVar aggregate classification (germline): Uncertain significance (1 of 4 stars; one submission).

Submission:

Dasa
Classification: Uncertain significance. Last evaluated: 2026-01-17. Review status: criteria provided, single submitter. Criteria: DASA Assertion Criteria. Collection method: clinical testing. Allele origin: germline.
Comment: NM_000552.5(VWF):c.6571G>A (p.Val2191Ile) is a missense variant that results in the substitution of valine with isoleucine. This variant is rare in population databases. Computational prediction algorithms are consistent with a benign effect. The currently available literature and clinical evidence are not sufficient to establish a definitive association between this variant and the reported condition. Therefore, this variant is classified as a variant of uncertain significance.

NM_000552.5(VWF):c.6571G>A (p.Val2191Ile)

Gene: VWF (von Willebrand factor; minus strand). Cytogenetic location: 12p13.31.
Variant type: single nucleotide variant.
Coding change: c.6571G>A on transcript NM_000552.5 (MANE Select); coding-DNA position 6571, G replaced by A.
Protein change: p.Val2191Ile; replaces valine 2191 with isoleucine.
Molecular consequence: missense variant.
Genome position (GRCh38, 1-based): chr12:5,993,889, C>T on the plus strand (G>A on the coding strand, the complement: VWF is on the minus strand). VCF-style: chr12-5993889-C-T. GRCh37 (hg19) VCF-style: chr12-6103055-C-T.
Other names: short protein forms V2191I.
Identifiers: ClinVar variation 4885717 (VCV004885717.2).